The following is an entry in ClinVar:

NM_000111.3(SLC26A3):c.1382T>C (p.Leu461Ser)

Gene: SLC26A3 (solute carrier family 26 member 3; minus strand). Cytogenetic location: 7q22.3.
Variant type: single nucleotide variant.
Coding change: c.1382T>C on transcript NM_000111.3 (MANE Select); coding-DNA position 1382, T replaced by C.
Protein change: p.Leu461Ser; replaces leucine 461 with serine.
Molecular consequence: missense variant.
Genome position (GRCh38, 1-based): chr7:107,779,693, A>G on the plus strand (T>C on the coding strand, the complement: SLC26A3 is on the minus strand). VCF-style: chr7-107779693-A-G. GRCh37 (hg19) VCF-style: chr7-107420138-A-G.
Other names: short protein forms L461S.
Identifiers: ClinVar variation 1369676 (VCV001369676.8), dbSNP rs2115832514, ClinGen allele CA368851371.

ClinVar aggregate classification (germline): Uncertain significance (1 of 4 stars; one submission).

Submission:

Labcorp Genetics (formerly Invitae), Labcorp
Classification: Uncertain significance. Last evaluated: 2021-02-03. Review status: criteria provided, single submitter. Criteria: Invitae Variant Classification Sherloc (09022015). Collection method: clinical testing. Allele origin: germline.
Comment: In summary, the available evidence is currently insufficient to determine the role of this variant in disease. Therefore, it has been classified as a Variant of Uncertain Significance. Advanced modeling of protein sequence and biophysical properties (such as structural, functional, and spatial information, amino acid conservation, physicochemical variation, residue mobility, and thermodynamic stability) performed at Invitae indicates that this missense variant is expected to disrupt SLC26A3 protein function. This variant has not been reported in the literature in individuals with SLC26A3-related conditions. This variant is not present in population databases (ExAC no frequency). This sequence change replaces leucine with serine at codon 461 of the SLC26A3 protein (p.Leu461Ser). The leucine residue is moderately conserved and there is a large physicochemical difference between leucine and serine.